The following is an entry in ClinVar:

NM_001122769.3(LCA5):c.1533C>A (p.Phe511Leu)

Gene: LCA5 (lebercilin LCA5; minus strand). Cytogenetic location: 6q14.1.
Variant type: single nucleotide variant.
Coding change: c.1533C>A on transcript NM_001122769.3 (MANE Select); coding-DNA position 1533, C replaced by A.
Protein change: p.Phe511Leu; replaces phenylalanine 511 with leucine.
Molecular consequence: missense variant.
Genome position (GRCh38, 1-based): chr6:79,487,565, G>T on the plus strand (C>A on the coding strand, the complement: LCA5 is on the minus strand). VCF-style: chr6-79487565-G-T. GRCh37 (hg19) VCF-style: chr6-80197282-G-T.
Other names: c.1533C>A, p.Phe511Leu (NM_181714.4); short protein forms F511L.
Identifiers: ClinVar variation 358092 (VCV000358092.15), dbSNP rs570251479, ClinGen allele CA3900814.

ClinVar aggregate classification (germline): Uncertain significance. Review status: criteria provided, multiple submitters, no conflicts (2 of 4 stars). 6 submissions from 6 submitters: Uncertain significance (5). 1 of the submissions does not count toward it. Last evaluated 2025-11-14.

Conditions:
Inborn genetic diseases. Identifiers: MedGen C0950123, MeSH D030342.
Leber congenital amaurosis 5 (LCA5). Also called: Amaurosis congenita of Leber, type 5. Identifiers: Orphanet 65, MedGen C1858301, MONDO:0011473, OMIM 604537.
LCA5-related disorder. Also called: LCA5-related condition.

Allele frequency attached by ClinVar (database versions not stated): gnomAD 0.00001 and 0.00002; ExAC 0.00002; gnomAD exomes 0.00002 and 0.00003; TOPMed 0.00003.
gnomAD v4.1: 41 of 1,613,944 alleles (0.0025%); highest among the groups gnomAD compares: Middle Eastern, 0.049%; 2 homozygotes.

Submissions (6):

PreventionGenetics, part of Exact Sciences
Classification: Uncertain significance for LCA5-related condition. Last evaluated: 2025-11-14. Review status: criteria provided, single submitter. Criteria: ACMG Guidelines, 2015. Collection method: clinical testing. Allele origin: germline.
Comment: The LCA5 c.1533C>A variant is predicted to result in the amino acid substitution p.Phe511Leu. To our knowledge, this variant has not been reported in the literature. This variant is reported in 0.0098% of alleles in individuals of South Asian descent in gnomAD. At this time, the clinical significance of this variant is uncertain due to the absence of conclusive functional and genetic evidence.

Labcorp Genetics (formerly Invitae), Labcorp
Classification: Uncertain significance. Last evaluated: 2025-02-03. Review status: criteria provided, single submitter. Criteria: Invitae Variant Classification Sherloc (09022015). Collection method: clinical testing. Allele origin: germline.
Comment: This sequence change replaces phenylalanine, which is neutral and non-polar, with leucine, which is neutral and non-polar, at codon 511 of the LCA5 protein (p.Phe511Leu). This variant is present in population databases (rs570251479, gnomAD 0.01%). This variant has not been reported in the literature in individuals affected with LCA5-related conditions. ClinVar contains an entry for this variant (Variation ID: 358092). Invitae Evidence Modeling of protein sequence and biophysical properties (such as structural, functional, and spatial information, amino acid conservation, physicochemical variation, residue mobility, and thermodynamic stability) indicates that this missense variant is not expected to disrupt LCA5 protein function with a negative predictive value of 80%. In summary, the available evidence is currently insufficient to determine the role of this variant in disease. Therefore, it has been classified as a Variant of Uncertain Significance.

Blueprint Genetics
Classification: Uncertain significance. Last evaluated: 2024-11-25. Review status: criteria provided, single submitter. Criteria: ACMG Guidelines, 2015. Collection method: clinical testing. Allele origin: germline.

Ambry Genetics
Classification: Uncertain significance for Inborn genetic diseases. Last evaluated: 2022-01-27. Review status: criteria provided, single submitter. Criteria: Ambry Variant Classification Scheme 2023. Collection method: clinical testing. Allele origin: germline.

Illumina Laboratory Services, Illumina
Classification: Uncertain significance for Leber congenital amaurosis 5. Last evaluated: 2018-01-13. Review status: criteria provided, single submitter. Criteria: ICSL Variant Classification Criteria 13 December 2019. Collection method: clinical testing. Allele origin: germline.

Natera, Inc.
Classification: Uncertain significance for Leber congenital amaurosis type 5. Last evaluated: 2020-03-27. Review status: no assertion criteria provided. Collection method: clinical testing. Allele origin: germline. Not counted in ClinVar's aggregate classification.